The following is an entry in ClinVar:

ClinVar aggregate classification (germline): Uncertain significance. Review status: criteria provided, multiple submitters, no conflicts (2 of 4 stars). 2 submissions from 2 submitters: Uncertain significance (2). Last evaluated 2023-02-22.

Conditions:
Gorlin syndrome. Also called: Nevoid Basal Cell Carcinoma Syndrome; Basal cell nevus syndrome. Identifiers: Orphanet 377, MedGen C0004779, MONDO:0007187.

Allele frequency attached by ClinVar (database versions not stated): gnomAD exomes below 0.00001; gnomAD 0.00001; TOPMed 0.00002.
gnomAD v4.1: 5 of 1,614,002 alleles (0.00031%); highest among the groups gnomAD compares: African/African-American, 0.0067%; no homozygotes.

Submissions (2):

St. Jude Molecular Pathology, St. Jude Children's Research Hospital
Classification: Uncertain significance for Basal cell nevus syndrome 1. Last evaluated: 2023-02-22. Review status: criteria provided, single submitter. Criteria: St. Jude Assertion Criteria 2020. Collection method: clinical testing. Allele origin: germline.
Comment: The PTCH2 c.2048C>T (p.Ser683Leu) missense change has a maximum subpopulation frequency of 0.0004% in gnomAD v2.1.1. The in silico tool REVEL is inconclusive about a pathogenic or benign effect of this variant on protein function, and to our knowledge functional studies have not been performed. To our knowledge, this variant has not been reported in individuals with nevoid basal cell carcinoma syndrome.  In summary, the evidence currently available is insufficient to determine the clinical significance of this variant. It has therefore been classified as of uncertain significance.

Labcorp Genetics (formerly Invitae), Labcorp
Classification: Uncertain significance for Gorlin syndrome. Last evaluated: 2022-09-20. Review status: criteria provided, single submitter. Criteria: Invitae Variant Classification Sherloc (09022015). Collection method: clinical testing. Allele origin: germline.
Comment: In summary, the available evidence is currently insufficient to determine the role of this variant in disease. Therefore, it has been classified as a Variant of Uncertain Significance. This sequence change replaces serine, which is neutral and polar, with leucine, which is neutral and non-polar, at codon 683 of the PTCH2 protein (p.Ser683Leu). This variant is present in population databases (no rsID available, gnomAD 0.007%). This variant has not been reported in the literature in individuals affected with PTCH2-related conditions. Advanced modeling of protein sequence and biophysical properties (such as structural, functional, and spatial information, amino acid conservation, physicochemical variation, residue mobility, and thermodynamic stability) performed at Invitae indicates that this missense variant is not expected to disrupt PTCH2 protein function.

NM_003738.5(PTCH2):c.2048C>T (p.Ser683Leu)

Gene: PTCH2 (patched 2; minus strand). Cytogenetic location: 1p34.1.
Variant type: single nucleotide variant.
Coding change: c.2048C>T on transcript NM_003738.5 (MANE Select); coding-DNA position 2048, C replaced by T.
Protein change: p.Ser683Leu; replaces serine 683 with leucine.
Molecular consequence: missense variant.
Genome position (GRCh38, 1-based): chr1:44,827,853, G>A on the plus strand (C>T on the coding strand, the complement: PTCH2 is on the minus strand). VCF-style: chr1-44827853-G-A. GRCh37 (hg19) VCF-style: chr1-45293525-G-A.
Other names: c.2048C>T, p.Ser683Leu (NM_001166292.2); short protein forms S683L.
Identifiers: ClinVar variation 2194447 (VCV002194447.5), dbSNP rs1420550032, ClinGen allele CA340098511.